The following is an entry in ClinVar:

NM_001041.4(SI):c.2300C>T (p.Ser767Phe)

Gene: SI (sucrase-isomaltase; minus strand). Cytogenetic location: 3q26.1.
Variant type: single nucleotide variant.
Coding change: c.2300C>T on transcript NM_001041.4 (MANE Select); coding-DNA position 2300, C replaced by T.
Protein change: p.Ser767Phe; replaces serine 767 with phenylalanine.
Molecular consequence: missense variant.
Genome position (GRCh38, 1-based): chr3:165,039,079, G>A on the plus strand (C>T on the coding strand, the complement: SI is on the minus strand). VCF-style: chr3-165039079-G-A. GRCh37 (hg19) VCF-style: chr3-164756867-G-A.
Other names: short protein forms S767F.
Identifiers: ClinVar variation 1938590 (VCV001938590.3), dbSNP rs752951766, ClinGen allele CA2690765.

ClinVar aggregate classification (germline): Uncertain significance (1 of 4 stars; one submission).

Allele frequency attached by ClinVar (database versions not stated): gnomAD exomes 0.00001; ExAC 0.00004.
gnomAD v4.1: 10 of 1,578,488 alleles (0.00063%); highest among the groups gnomAD compares: Admixed American, 0.0017%; no homozygotes.

Submission:

Labcorp Genetics (formerly Invitae), Labcorp
Classification: Uncertain significance. Last evaluated: 2022-05-09. Review status: criteria provided, single submitter. Criteria: Invitae Variant Classification Sherloc (09022015). Collection method: clinical testing. Allele origin: germline.
Comment: This sequence change replaces serine, which is neutral and polar, with phenylalanine, which is neutral and non-polar, at codon 767 of the SI protein (p.Ser767Phe). This variant is present in population databases (rs752951766, gnomAD 0.005%). This variant has not been reported in the literature in individuals affected with SI-related conditions. Algorithms developed to predict the effect of missense changes on protein structure and function are either unavailable or do not agree on the potential impact of this missense change (SIFT: "Deleterious"; PolyPhen-2: "Benign"; Align-GVGD: "Class C0"). In summary, the available evidence is currently insufficient to determine the role of this variant in disease. Therefore, it has been classified as a Variant of Uncertain Significance.